The following is an entry in ClinVar:

ClinVar aggregate classification (germline): Pathogenic/Likely pathogenic. Review status: criteria provided, multiple submitters, no conflicts (2 of 4 stars). 4 submissions from 4 submitters: Pathogenic (1); Likely pathogenic (3). Last evaluated 2024-02-24.

Conditions:
Osteogenesis imperfecta type 8 (OI8). Identifiers: MedGen C1970458, MONDO:0012581, OMIM 610915.

Allele frequency attached by ClinVar (database versions not stated): gnomAD exomes below 0.00001.
gnomAD v4.1: 1 of 1,610,178 alleles (0.000062%); highest among the groups gnomAD compares: Non-Finnish European, 0.000085%; no homozygotes.

Submissions (4):

Labcorp Genetics (formerly Invitae), Labcorp
Classification: Likely pathogenic for Osteogenesis imperfecta type 8. Last evaluated: 2024-02-24. Review status: criteria provided, single submitter. Criteria: Invitae Variant Classification Sherloc (09022015). Collection method: clinical testing. Allele origin: germline.
Comment: This sequence change affects an acceptor splice site in intron 13 of the P3H1 gene. It is expected to disrupt RNA splicing. Variants that disrupt the donor or acceptor splice site typically lead to a loss of protein function (PMID: 16199547), and loss-of-function variants in P3H1 are known to be pathogenic (PMID: 17277775, 18566967, 19088120, 22281939). This variant is not present in population databases (gnomAD no frequency). Disruption of this splice site has been observed in individual(s) with osteogenesis imperfecta (PMID: 21667357). ClinVar contains an entry for this variant (Variation ID: 1486163). Algorithms developed to predict the effect of sequence changes on RNA splicing suggest that this variant may disrupt the consensus splice site. In summary, the currently available evidence indicates that the variant is pathogenic, but additional data are needed to prove that conclusively. Therefore, this variant has been classified as Likely Pathogenic.

Genome-Nilou Lab
Classification: Likely pathogenic for Osteogenesis imperfecta type 8. Last evaluated: 2023-04-11. Review status: criteria provided, single submitter. Criteria: ACMG Guidelines, 2015. Collection method: clinical testing. Allele origin: germline. Affected: no.

Department of Medical Genetics, Sanjay Gandhi Post Graduate Institute of Medical Sciences
Classification: Pathogenic for Osteogenesis imperfecta type 8. Last evaluated: 2022-03-10. Review status: criteria provided, single submitter. Criteria: ACMG Guidelines, 2015. Collection method: research. Allele origin: germline. Inheritance: Autosomal recessive inheritance. Affected: yes. Observed: 1 homozygote.
Comment: This sequence change affects an acceptor splice site in intron 13 of the P3H1. It is expected to disrupt RNA splicing. Variants that disrupt the acceptor splice site typically lead to a loss of protein function (PMID: 16199547), and loss-of-function variants in P3H1 are known to be pathogenic. This is a recurrent variant reported previously. Variant is interpreted as pathogenic (PVS1, PM2,PM3,PP5).

Neuberg Centre For Genomic Medicine, NCGM
Classification: Likely pathogenic for Osteogenesis imperfecta type 8. Review status: criteria provided, single submitter. Criteria: ACMG Guidelines, 2015. Collection method: clinical testing. Allele origin: germline. Inheritance: Autosomal recessive inheritance. Affected: yes.
Comment: The splice site c.1915-1G>A variant has not been reported previously as a pathogenic variant nor as a benign variant, to our knowledge. The c.1915-1G>A variant is novel (not in any individuals) in gnomAD exomes and 1000 Genomes. Loss of function variants have been previously reported to be disease causing. For these reasons, this variant has been classified as Likely Pathogenic.

Literature cited by the submitters: PubMed 16199547 (cited by Labcorp Genetics (formerly Invitae), Labcorp); PubMed 17277775 (cited by Labcorp Genetics (formerly Invitae), Labcorp and Department of Medical Genetics, Sanjay Gandhi Post Graduate Institute of Medical Sciences); PubMed 18566967 (cited by Labcorp Genetics (formerly Invitae), Labcorp); PubMed 19088120 (cited by Labcorp Genetics (formerly Invitae), Labcorp); PubMed 22281939 (cited by Labcorp Genetics (formerly Invitae), Labcorp); PubMed 21667357 (cited by Labcorp Genetics (formerly Invitae), Labcorp).

NM_022356.4(P3H1):c.1915-1G>A

Gene: P3H1 (prolyl 3-hydroxylase 1; minus strand). Cytogenetic location: 1p34.2.
Variant type: single nucleotide variant.
Coding change: c.1915-1G>A on transcript NM_022356.4 (MANE Select); the canonical splice acceptor site of the intron before coding-DNA position 1915, G replaced by A.
Molecular consequence: splice acceptor variant.
Genome position (GRCh38, 1-based): chr1:42,747,413, C>T on the plus strand (G>A on the coding strand, the complement: P3H1 is on the minus strand). VCF-style: chr1-42747413-C-T. GRCh37 (hg19) VCF-style: chr1-43213084-C-T.
Other names: c.1915-1G>A (NM_001146289.2, NM_001243246.2).
Identifiers: ClinVar variation 1486163 (VCV001486163.9), dbSNP rs2124077667, ClinGen allele CA339953200.